The following is an entry in ClinVar:

NM_001382741.1(FBRSL1):c.1575G>A (p.Pro525=)

Gene: FBRSL1 (fibrosin like 1; plus strand). Cytogenetic location: 12q24.33.
Variant type: single nucleotide variant.
Coding change: c.1575G>A on transcript NM_001382741.1 (MANE Plus Clinical); coding-DNA position 1575, G replaced by A.
Protein change: p.Pro525=; no amino-acid change (proline 525 retained).
Molecular consequence: synonymous variant. On other transcripts: non-coding transcript variant (1), intron variant (5).
Genome position (GRCh38, 1-based): chr12:132,510,251, G>A. VCF-style: chr12-132510251-G-A. GRCh37 (hg19) VCF-style: chr12-133086837-G-A.
Other names: c.1278G>A, p.Pro426= (NM_001382742.1); c.489+1901G>A (NM_001367871.1, NM_001382739.1, NM_001142641.2 and 2 more transcripts).
Identifiers: ClinVar variation 3770571 (VCV003770571.13).

ClinVar aggregate classification (germline): Benign (1 of 4 stars; one submission).

gnomAD v4.1: 14,650 of 1,231,758 alleles (1.2%); highest among the groups gnomAD compares: Non-Finnish European, 1.3%; 103 homozygotes.

Submission:

CeGaT Center for Human Genetics Tuebingen
Classification: Benign. Last evaluated: 2026-09-01. Review status: criteria provided, single submitter. Criteria: CeGaT Center For Human Genetics Tuebingen Variant Classification Criteria Version 2. Collection method: clinical testing. Allele origin: germline. Affected: yes. Observed: 20 variant alleles.
Comment: FBRSL1: BP4, BP7, BS1, BS2